The following is an entry in ClinVar:

ClinVar aggregate classification (germline): Pathogenic (1 of 4 stars; one submission).

Submission:

Labcorp Genetics (formerly Invitae), Labcorp
Classification: Pathogenic. Last evaluated: 2022-09-25. Review status: criteria provided, single submitter. Criteria: Invitae Variant Classification Sherloc (09022015). Collection method: clinical testing. Allele origin: germline.
Comment: For these reasons, this variant has been classified as Pathogenic. This variant has not been reported in the literature in individuals affected with LAMA1-related conditions. This sequence change creates a premature translational stop signal (p.Leu1897*) in the LAMA1 gene. It is expected to result in an absent or disrupted protein product. Loss-of-function variants in LAMA1 are known to be pathogenic (PMID: 25105227, 26932191). This variant is not present in population databases (gnomAD no frequency).

Literature cited by the submitters: PubMed 25105227; PubMed 26932191.

NM_005559.4(LAMA1):c.5689del (p.Ser1896_Leu1897insTer)

Gene: LAMA1 (laminin subunit alpha 1; minus strand). Cytogenetic location: 18p11.31.
Variant type: Deletion.
Coding change: c.5689del on transcript NM_005559.4 (MANE Select); coding-DNA position 5689, one base deleted (C; older notation c.5689delC).
Protein change: p.Ser1896_Leu1897insTer.
Molecular consequence: nonsense.
Genome position (GRCh38, 1-based): chr18:6,983,206, G deleted on the plus strand (C on the coding strand, the reverse complement: LAMA1 is on the minus strand); the first of 3 consecutive G bases (chr18:6,983,206-6,983,208); deleting any one gives the same sequence. VCF-style (leftmost placement, unchanged base first): chr18-6983205-AG-A. GRCh37 (hg19) VCF-style: chr18-6983204-AG-A.
Identifiers: ClinVar variation 2032590 (VCV002032590.4), dbSNP rs2510843811, ClinGen allele CA2580095910.